The following is an entry in ClinVar:

ClinVar aggregate classification (germline): Conflicting classifications of pathogenicity. Review status: criteria provided, conflicting classifications (1 of 4 stars). 5 submissions from 5 submitters: Uncertain significance (3); Likely benign (1). 1 of the submissions does not count toward it. Last evaluated 2026-03-09.

Conditions:
Cohen syndrome (COH1). Also called: PEPPER SYNDROME; Cutis verticis gyrata, retinitis pigmentosa, and sensorineural deafness. Identifiers: Orphanet 193, MedGen C0265223, MONDO:0008999, OMIM 216550.
VPS13B-related disorder. Also called: VPS13B-related condition.
Inborn genetic diseases. Identifiers: MedGen C0950123, MeSH D030342.

Allele frequency attached by ClinVar (database versions not stated): gnomAD exomes 0.00002 and 0.00003; TOPMed 0.00002; gnomAD 0.00003; ExAC 0.00005; ESP Exome Variant Server 0.00008.
gnomAD v4.1: 45 of 1,613,984 alleles (0.0028%); highest among the groups gnomAD compares: Non-Finnish European, 0.0033%; no homozygotes.

Submissions (5):

PreventionGenetics, part of Exact Sciences
Classification: Uncertain significance for VPS13B-related condition. Last evaluated: 2026-03-09. Review status: criteria provided, single submitter. Criteria: ACMG Guidelines, 2015. Collection method: clinical testing. Allele origin: germline.
Comment: The VPS13B c.7156A>G variant is predicted to result in the amino acid substitution p.Ile2386Val. To our knowledge, this variant has not been reported in the literature. This variant is reported in 0.0080% of alleles in individuals of European (Finnish) descent in gnomAD. At this time, the clinical significance of this variant is uncertain due to the absence of conclusive functional and genetic evidence.

Blueprint Genetics
Classification: Uncertain significance. Last evaluated: 2024-09-03. Review status: criteria provided, single submitter. Criteria: ACMG Guidelines, 2015. Collection method: clinical testing. Allele origin: germline.

Ambry Genetics
Classification: Likely benign for Inborn genetic diseases. Last evaluated: 2023-05-26. Review status: criteria provided, single submitter. Criteria: Ambry Variant Classification Scheme 2023. Collection method: clinical testing. Allele origin: germline.

Labcorp Genetics (formerly Invitae), Labcorp
Classification: Uncertain significance for Cohen syndrome. Last evaluated: 2022-08-23. Review status: criteria provided, single submitter. Criteria: Invitae Variant Classification Sherloc (09022015). Collection method: clinical testing. Allele origin: germline.
Comment: This sequence change replaces isoleucine, which is neutral and non-polar, with valine, which is neutral and non-polar, at codon 2411 of the VPS13B protein (p.Ile2411Val). This variant is present in population databases (rs370689956, gnomAD 0.008%). This variant has not been reported in the literature in individuals affected with VPS13B-related conditions. ClinVar contains an entry for this variant (Variation ID: 965155). Algorithms developed to predict the effect of missense changes on protein structure and function output the following: SIFT: "Not Available"; PolyPhen-2: "Benign"; Align-GVGD: "Not Available". The valine amino acid residue is found in multiple mammalian species, which suggests that this missense change does not adversely affect protein function. In summary, the available evidence is currently insufficient to determine the role of this variant in disease. Therefore, it has been classified as a Variant of Uncertain Significance.

Natera, Inc.
Classification: Uncertain significance for Cohen syndrome. Last evaluated: 2021-01-15. Review status: no assertion criteria provided. Collection method: clinical testing. Allele origin: germline. Not counted in ClinVar's aggregate classification.

NM_152564.5(VPS13B):c.7156A>G (p.Ile2386Val)

Gene: VPS13B (vacuolar protein sorting 13 homolog B; plus strand). Cytogenetic location: 8q22.2.
Variant type: single nucleotide variant.
Coding change: c.7156A>G on transcript NM_152564.5 (MANE Select); coding-DNA position 7156, A replaced by G.
Protein change: p.Ile2386Val; replaces isoleucine 2386 with valine.
Molecular consequence: missense variant.
Genome position (GRCh38, 1-based): chr8:99,766,879, A>G. VCF-style: chr8-99766879-A-G. GRCh37 (hg19) VCF-style: chr8-100779107-A-G.
Other names: c.7156A>G (NM_152564.4); c.7231A>G (NM_017890.3); c.7231A>G, p.Ile2411Val (NM_017890.5); short protein forms I2411V, I2386V.
Identifiers: ClinVar variation 965155 (VCV000965155.9), dbSNP rs370689956, ClinGen allele CA4824159.